The following is an entry in ClinVar:

ClinVar aggregate classification (germline): Uncertain significance (1 of 4 stars; one submission).

Conditions:
Pulmonary fibrosis and/or bone marrow failure, Telomere-related, 3. Also called: PULMONARY FIBROSIS AND/OR BONE MARROW FAILURE SYNDROME, TELOMERE-RELATED, 3. Identifiers: Orphanet 2032, MedGen C4225346, MONDO:0014613, OMIM 616373.
Dyskeratosis congenita, autosomal recessive 5 (DKCB5). Identifiers: MedGen C3554656, MONDO:0014076, OMIM 615190.

Submission:

Labcorp Genetics (formerly Invitae), Labcorp
Classification: Uncertain significance for Dyskeratosis congenita, autosomal recessive 5; Pulmonary fibrosis and/or bone marrow failure, Telomere-related, 3. Last evaluated: 2024-06-23. Review status: criteria provided, single submitter. Criteria: Invitae Variant Classification Sherloc (09022015). Collection method: clinical testing. Allele origin: germline.
Comment: This sequence change replaces serine, which is neutral and polar, with arginine, which is basic and polar, at codon 305 of the RTEL1 protein (p.Ser305Arg). This variant is present in population databases (no rsID available, gnomAD 0.01%). This variant has not been reported in the literature in individuals affected with RTEL1-related conditions. ClinVar contains an entry for this variant (Variation ID: 1998137). An algorithm developed to predict the effect of missense changes on protein structure and function (PolyPhen-2) suggests that this variant is likely to be tolerated. In summary, the available evidence is currently insufficient to determine the role of this variant in disease. Therefore, it has been classified as a Variant of Uncertain Significance.

NM_001283009.2(RTEL1):c.915C>G (p.Ser305Arg)

Genes: RTEL1 (regulator of telomere elongation helicase 1; plus strand), RTEL1-TNFRSF6B (RTEL1-TNFRSF6B readthrough (NMD candidate); plus strand). Cytogenetic location: 20q13.33.
Variant type: single nucleotide variant.
Coding change: c.915C>G on transcript NM_001283009.2 (MANE Select); coding-DNA position 915, C replaced by G.
Protein change: p.Ser305Arg; replaces serine 305 with arginine.
Molecular consequence: missense variant. On other transcripts: non-coding transcript variant (1).
Genome position (GRCh38, 1-based): chr20:63,674,089, C>G. VCF-style: chr20-63674089-C-G. GRCh37 (hg19) VCF-style: chr20-62305442-C-G.
Other names: c.246C>G, p.Ser82Arg (NM_001283010.1); c.915C>G, p.Ser305Arg (NM_016434.4); c.987C>G, p.Ser329Arg (NM_032957.5); short protein forms S305R, S82R, S329R.
Identifiers: ClinVar variation 1998137 (VCV001998137.4), dbSNP rs1191192901, ClinGen allele CA409673111.